The following is an entry in ClinVar:

ClinVar aggregate classification (germline): Benign/Likely benign. Review status: criteria provided, multiple submitters, no conflicts (2 of 4 stars). 6 submissions from 6 submitters: Benign (1); Likely benign (5). Last evaluated 2026-08-04.

Conditions:
DES-related disorder. Also called: DES-related condition.
Cardiovascular phenotype. Identifiers: MedGen CN230736.
Desmin-related myofibrillar myopathy (MFM1). Also called: Desmin related myopathy (former name); Desmin storage myopathy (former name); Desminopathy; MYOFIBRILLAR MYOPATHY WITH ARRHYTHMOGENIC RIGHT VENTRICULAR CARDIOMYOPATHY; DESMIN-RELATED MYOPATHY WITH ARRHYTHMOGENIC RIGHT VENTRICULAR CARDIOMYOPATHY; Myofibrillar myopathy 1. Identifiers: Orphanet 363543, Orphanet 98909, MedGen C1832370, MONDO:0011076, OMIM 601419.

Allele frequency attached by ClinVar (database versions not stated): gnomAD exomes 0.00001 and 0.00004; ExAC 0.00007; gnomAD 0.00009; TOPMed 0.00010.
gnomAD v4.1: 32 of 1,614,070 alleles (0.002%); highest among the groups gnomAD compares: African/African-American, 0.023%; no homozygotes.

Submissions (6):

PreventionGenetics, part of Exact Sciences
Classification: Likely benign for DES-related condition. Last evaluated: 2026-08-04. Review status: criteria provided, single submitter. Criteria: ACMG Guidelines, 2015. Collection method: clinical testing. Allele origin: germline.
Comment: This variant is classified as likely benign based on ACMG/AMP sequence variant interpretation guidelines (Richards et al. 2015 PMID: 25741868, with internal and published modifications).

Ambry Genetics
Classification: Likely benign for Cardiovascular phenotype. Last evaluated: 2026-05-10. Review status: criteria provided, single submitter. Criteria: Ambry Variant Classification Scheme 2023. Collection method: clinical testing. Allele origin: germline.

Labcorp Genetics (formerly Invitae), Labcorp
Classification: Likely benign for Desmin-related myofibrillar myopathy. Last evaluated: 2025-12-20. Review status: criteria provided, single submitter. Criteria: Invitae Variant Classification Sherloc (09022015). Collection method: clinical testing. Allele origin: germline.

Women's Health and Genetics/Laboratory Corporation of America, LabCorp
Classification: Likely benign. Last evaluated: 2025-05-18. Review status: criteria provided, single submitter. Criteria: LabCorp Variant Classification Summary - May 2015. Collection method: clinical testing. Allele origin: germline.

Blueprint Genetics
Classification: Likely benign. Last evaluated: 2022-12-07. Review status: criteria provided, single submitter. Criteria: ACMG Guidelines, 2015. Collection method: clinical testing. Allele origin: germline.

GeneDx
Classification: Benign. Last evaluated: 2015-03-03. Review status: criteria provided, single submitter. Criteria: GeneDx Variant Classification Process June 2021. Collection method: clinical testing. Allele origin: germline. Affected: yes.

NM_001927.4(DES):c.699C>T (p.Asn233=)

Gene: DES (desmin; plus strand). Cytogenetic location: 2q35.
Variant type: single nucleotide variant.
Coding change: c.699C>T on transcript NM_001927.4 (MANE Select); coding-DNA position 699, C replaced by T.
Protein change: p.Asn233=; no amino-acid change (asparagine 233 retained).
Molecular consequence: synonymous variant.
Genome position (GRCh38, 1-based): chr2:219,420,310, C>T. VCF-style: chr2-219420310-C-T. GRCh37 (hg19) VCF-style: chr2-220285032-C-T.
Other names: c.699C>T (LRG_380t1).
Identifiers: ClinVar variation 416614 (VCV000416614.20), dbSNP rs758066814, ClinGen allele CA2125131.